The following is an entry in ClinVar:

ClinVar aggregate classification (germline): Pathogenic (1 of 4 stars; one submission).

Submission:

Labcorp Genetics (formerly Invitae), Labcorp
Classification: Pathogenic. Last evaluated: 2023-07-03. Review status: criteria provided, single submitter. Criteria: Invitae Variant Classification Sherloc (09022015). Collection method: clinical testing. Allele origin: germline.
Comment: This sequence change creates a premature translational stop signal (p.Gly669Valfs*9) in the COL4A5 gene. It is expected to result in an absent or disrupted protein product. Loss-of-function variants in COL4A5 are known to be pathogenic (PMID: 9195222, 10752524, 14514738, 24854265, 26809805). This variant is not present in population databases (gnomAD no frequency). This variant has not been reported in the literature in individuals affected with COL4A5-related conditions. For these reasons, this variant has been classified as Pathogenic.

Literature cited by the submitters: PubMed 9195222; PubMed 10752524; PubMed 14514738; PubMed 24854265; PubMed 26809805.

NM_033380.3(COL4A5):c.2006del (p.Gly669fs)

Gene: COL4A5 (collagen type IV alpha 5 chain; plus strand). Cytogenetic location: Xq22.3.
Variant type: Deletion.
Coding change: c.2006del on transcript NM_033380.3 (MANE Select); coding-DNA position 2006, one base deleted (G; older notation c.2006delG).
Protein change: p.Gly669fs; shifts the reading frame from glycine 669.
Molecular consequence: frameshift variant.
Genome position (GRCh38, 1-based): chrX:108,601,450, G deleted; the last of 2 consecutive G bases (chrX:108,601,449-108,601,450); deleting either gives the same sequence. VCF-style (leftmost placement, unchanged base first): chrX-108601448-TG-T. GRCh37 (hg19) VCF-style: chrX-107844678-TG-T.
Other names: c.2006del, p.Gly669fs (NM_000495.5); short protein forms G669fs.
Identifiers: ClinVar variation 2867237 (VCV002867237.3), dbSNP rs2524325726, ClinGen allele CA2739273708.